The following is an entry in ClinVar:

ClinVar aggregate classification (germline): Uncertain significance (1 of 4 stars; one submission).

Allele frequency attached by ClinVar (database versions not stated): gnomAD exomes below 0.00001.
gnomAD v4.1: 4 of 1,611,676 alleles (0.00025%); highest among the groups gnomAD compares: Non-Finnish European, 0.00034%; no homozygotes.

Submission:

Labcorp Genetics (formerly Invitae), Labcorp
Classification: Uncertain significance. Last evaluated: 2022-04-28. Review status: criteria provided, single submitter. Criteria: Invitae Variant Classification Sherloc (09022015). Collection method: clinical testing. Allele origin: germline.
Comment: In summary, the available evidence is currently insufficient to determine the role of this variant in disease. Therefore, it has been classified as a Variant of Uncertain Significance. Algorithms developed to predict the effect of missense changes on protein structure and function are either unavailable or do not agree on the potential impact of this missense change (SIFT: "Deleterious"; PolyPhen-2: "Probably Damaging"; Align-GVGD: "Class C0"). This variant has not been reported in the literature in individuals affected with VPS13A-related conditions. The frequency data for this variant in the population databases is considered unreliable, as metrics indicate poor data quality at this position in the gnomAD database. This sequence change replaces histidine, which is basic and polar, with arginine, which is basic and polar, at codon 2847 of the VPS13A protein (p.His2847Arg).

NM_033305.3(VPS13A):c.8540A>G (p.His2847Arg)

Gene: VPS13A (vacuolar protein sorting 13 homolog A; plus strand). Cytogenetic location: 9q21.2.
Variant type: single nucleotide variant.
Coding change: c.8540A>G on transcript NM_033305.3 (MANE Select); coding-DNA position 8540, A replaced by G.
Protein change: p.His2847Arg; replaces histidine 2847 with arginine.
Molecular consequence: missense variant.
Genome position (GRCh38, 1-based): chr9:77,368,123, A>G. VCF-style: chr9-77368123-A-G. GRCh37 (hg19) VCF-style: chr9-79983039-A-G.
Other names: c.8423A>G, p.His2808Arg (NM_001018037.2); c.8540A>G, p.His2847Arg (NM_001018038.3, NM_015186.4); short protein forms H2847R, H2808R.
Identifiers: ClinVar variation 2091603 (VCV002091603.4), dbSNP rs1345234697, ClinGen allele CA373865476.